The following is an entry in ClinVar:

NM_000065.5(C6):c.2078G>T (p.Arg693Ile)

Gene: C6 (complement C6; minus strand). Cytogenetic location: 5p13.1.
Variant type: single nucleotide variant.
Coding change: c.2078G>T on transcript NM_000065.5 (MANE Select); coding-DNA position 2078, G replaced by T.
Protein change: p.Arg693Ile; replaces arginine 693 with isoleucine.
Molecular consequence: missense variant.
Genome position (GRCh38, 1-based): chr5:41,154,995, C>A on the plus strand (G>T on the coding strand, the complement: C6 is on the minus strand). VCF-style: chr5-41154995-C-A. GRCh37 (hg19) VCF-style: chr5-41155097-C-A.
Other names: c.2078G>T, p.Arg693Ile (NM_001115131.4); short protein forms R693I.
Identifiers: ClinVar variation 2127618 (VCV002127618.4), dbSNP rs2478328573, ClinGen allele CA359595589.

ClinVar aggregate classification (germline): Uncertain significance (1 of 4 stars; one submission).

Submission:

Labcorp Genetics (formerly Invitae), Labcorp
Classification: Uncertain significance. Last evaluated: 2022-04-18. Review status: criteria provided, single submitter. Criteria: Invitae Variant Classification Sherloc (09022015). Collection method: clinical testing. Allele origin: germline.
Comment: This variant is not present in population databases (gnomAD no frequency). In summary, the available evidence is currently insufficient to determine the role of this variant in disease. Therefore, it has been classified as a Variant of Uncertain Significance. Algorithms developed to predict the effect of missense changes on protein structure and function are either unavailable or do not agree on the potential impact of this missense change (SIFT: "Deleterious"; PolyPhen-2: "Benign"; Align-GVGD: "Class C0"). This variant has not been reported in the literature in individuals affected with C6-related conditions. This sequence change replaces arginine, which is basic and polar, with isoleucine, which is neutral and non-polar, at codon 693 of the C6 protein (p.Arg693Ile).